The following is an entry in ClinVar:

ClinVar aggregate classification (germline): Uncertain significance (1 of 4 stars; one submission).

gnomAD v4.1: 1 of 1,613,474 alleles (0.000062%); highest among the groups gnomAD compares: Non-Finnish European, 0.000085%; no homozygotes.

Submission:

GeneDx
Classification: Uncertain significance. Last evaluated: 2024-11-05. Review status: criteria provided, single submitter. Criteria: GeneDx Variant Classification Process June 2021. Collection method: clinical testing. Allele origin: germline. Affected: yes.
Comment: Not observed at significant frequency in large population cohorts (gnomAD); Missense variant in a gene in which most reported pathogenic variants are truncating/loss of function; Has not been previously published as pathogenic or benign to our knowledge; This variant is associated with the following publications: (PMID: 23975875)

NM_001267550.2(TTN):c.43393G>A (p.Val14465Met)

Gene: TTN (titin; minus strand). Cytogenetic location: 2q31.2.
Variant type: single nucleotide variant.
Coding change: c.43393G>A on transcript NM_001267550.2 (MANE Select); coding-DNA position 43393, G replaced by A.
Protein change: p.Val14465Met; replaces valine 14465 with methionine.
Molecular consequence: missense variant.
Genome position (GRCh38, 1-based): chr2:178,632,613, C>T on the plus strand (G>A on the coding strand, the complement: TTN is on the minus strand). VCF-style: chr2-178632613-C-T. GRCh37 (hg19) VCF-style: chr2-179497340-C-T.
Other names: c.38470G>A, p.Val12824Met (NM_001256850.1); c.16198G>A, p.Val5400Met (NM_003319.4); c.35689G>A, p.Val11897Met (NM_133378.4); c.16573G>A, p.Val5525Met (NM_133432.3); c.16774G>A, p.Val5592Met (NM_133437.4); short protein forms V11897M, V12824M, V14465M, V5400M, V5525M, V5592M.
Identifiers: ClinVar variation 3897230 (VCV003897230.1).
Genomic context (GRCh38, chr2:178,632,613, plus strand): 5'-GCTTATCTTCAGCTTCAAACATGTATTTTGCTTCATCTTCAAAAGCAGCTGACTTGATCA[C>T]CATTGAATGCTTAGTGCCATCCTTTATAAGCTCAAATCTGTCATCACCTGTGATTTCCTG-3'
Protein context (NP_001254479.2, residues 14455-14475): LIKDGTKHSM[Val14465Met]IKSAAFEDEA